The following is an entry in ClinVar:

ClinVar aggregate classification (germline): Conflicting classifications of pathogenicity. Review status: criteria provided, conflicting classifications (1 of 4 stars). 7 submissions from 7 submitters: Uncertain significance (6); Likely benign (1). Last evaluated 2026-09-01.

Conditions:
Cardiovascular phenotype. Identifiers: MedGen CN230736.
Arrhythmogenic cardiomyopathy with wooly hair and keratoderma. Also called: Carvajal syndrome; Dilated cardiomyopathy with woolly hair and keratoderma; Arrhythmogenic cardiomyopathy with woolly hair and keratoderma; PALMOPLANTAR KERATODERMA WITH LEFT VENTRICULAR CARDIOMYOPATHY AND WOOLLY HAIR. Identifiers: Orphanet 65282, MedGen C1854063, MONDO:0011581, OMIM 605676.
Arrhythmogenic right ventricular dysplasia 8 (ARVD8). Also called: Arrhythmogenic Right Ventricular Dysplasia/Cardiomyopathy 8; ARRHYTHMOGENIC RIGHT VENTRICULAR DYSPLASIA, FAMILIAL, 8; ARRHYTHMOGENIC RIGHT VENTRICULAR CARDIOMYOPATHY 8. Identifiers: MedGen C1843896, MONDO:0011831, OMIM 607450.
Cardiomyopathy (CMYO). Also called: Cardiomyopathies. Identifiers: Orphanet 167848, MedGen C0878544, MONDO:0004994, HP:0001638. Inheritance: Various modes of inheritance.

Allele frequency attached by ClinVar (database versions not stated): gnomAD exomes below 0.00001 and 0.00001; TOPMed 0.00001; gnomAD 0.00003; ExAC 0.00001.
gnomAD v4.1: 11 of 1,614,002 alleles (0.00068%); highest among the groups gnomAD compares: Non-Finnish European, 0.00093%; no homozygotes.

Submissions (7):

CeGaT Center for Human Genetics Tuebingen
Classification: Uncertain significance. Last evaluated: 2026-09-01. Review status: criteria provided, single submitter. Criteria: CeGaT Center For Human Genetics Tuebingen Variant Classification Criteria Version 2. Collection method: clinical testing. Allele origin: germline. Affected: yes. Observed: 1 variant allele.
Comment: DSP: PM2

Labcorp Genetics (formerly Invitae), Labcorp
Classification: Likely benign for Arrhythmogenic cardiomyopathy with wooly hair and keratoderma; Arrhythmogenic right ventricular dysplasia 8. Last evaluated: 2025-11-25. Review status: criteria provided, single submitter. Criteria: Invitae Variant Classification Sherloc (09022015). Collection method: clinical testing. Allele origin: germline.

Color Diagnostics, LLC DBA Color Health
Classification: Uncertain significance for Cardiomyopathy. Last evaluated: 2025-03-03. Review status: criteria provided, single submitter. Criteria: ACMG Guidelines, 2015. Collection method: clinical testing. Allele origin: germline.
Comment: This missense variant replaces valine with methionine at codon 1967 of the DSP protein. Computational prediction tools and conservation analyses are inconclusive regarding the impact of this variant on the protein function. Computational splicing tools suggest that this variant may not impact RNA splicing. To our knowledge, functional assays have not been performed for this variant nor has this variant been reported in individuals affected with cardiovascular disorders in the literature. This variant has been identified in 3/251246 chromosomes in the general population by the Genome Aggregation Database (gnomAD). Available evidence is insufficient to determine the role of this variant in disease conclusively. Therefore, this variant is classified as a Variant of Uncertain Significance.

All of Us Research Program, National Institutes of Health
Classification: Uncertain significance for Arrhythmogenic cardiomyopathy with wooly hair and keratoderma. Last evaluated: 2023-11-30. Review status: criteria provided, single submitter. Criteria: ACMG Guidelines, 2015. Collection method: clinical testing. Allele origin: germline. Inheritance: Autosomal dominant inheritance. Observed: 1 variant allele, 1 heterozygote.
Comment: This study involves interpretation of variants in research participants for the purpose of population health screening. Participant phenotype was not available at the time of variant classification. Additional details can be found in publication PMID: 35346344, PMCID: PMC8962531

New York Genome Center
Classification: Uncertain significance for Arrhythmogenic right ventricular dysplasia 8. Last evaluated: 2022-11-04. Review status: criteria provided, single submitter. Criteria: NYGC Assertion Criteria 2020. Collection method: clinical testing. Allele origin: germline. Observed: 1 heterozygote.
Comment: The c.5899G>A variant in DSP has not previously been reported in the literature and it has been deposited in ClinVar [ClinVar ID: 44933] as variant of uncertain significance without phenotype information. The c.5899G>A variant is observed in 7 alleles (~0.0012% minor allele frequency with 0 homozygote) in population databases (gnomAD v2.1.1 and v3.1.2, TOPMed Freeze 8), suggesting it is not a common benign variant in the populations represented in those databases. The c.5899G>A variant in DSP is located in exon 24 of this 24-exon gene, and is predicted to replace an evolutionarily weakly conserved valine amino acid with methionine at position 1967 (p.(Val1967Met) in the encoded protein. In silico predictions are not in favor of damaging effect for the p.(Val1967Met) variant [CADD v1.6 =23.2, REVEL = 0.093]; however, there are no functional studies to support or refute these predictions. Based on available evidence this c.5899G>Ap.(Val1967Met) variant identified in DSP is classified as a Variant of Uncertain Significance.

Ambry Genetics
Classification: Uncertain significance for Cardiovascular phenotype. Last evaluated: 2020-07-23. Review status: criteria provided, single submitter. Criteria: Ambry Variant Classification Scheme 2023. Collection method: clinical testing. Allele origin: germline.

Laboratory for Molecular Medicine, Mass General Brigham Personalized Medicine
Classification: Uncertain significance. Last evaluated: 2012-06-28. Review status: criteria provided, single submitter. Criteria: LMM Criteria. Collection method: clinical testing. Allele origin: germline. Observed: 1 variant allele.
Comment: Variant classified as Uncertain Significance - Favor Benign. The Val1967Met vari ant in DSP has not been previously reported in the literature nor previously bee n identified by our laboratory. Valine (Val) at position 1967 is not conserved i n distantly related mammals and the platypus carries a methionine (Met; this var iant) at this position. In addition, computational analyses (biochemical amino a cid properties, conservation, AlignGVGD, PolyPhen2, and SIFT) suggest that this variant may not impact the normal function of the protein, though this informat ion is not predictive enough to rule out pathogenicity. Although the lack of con servation and computational data are supportive of a benign role for Val1967Met, additional studies are needed to fully assess its clinical significance.

NM_004415.4(DSP):c.5899G>A (p.Val1967Met)

Gene: DSP (desmoplakin; plus strand). Cytogenetic location: 6p24.3.
Variant type: single nucleotide variant.
Coding change: c.5899G>A on transcript NM_004415.4 (MANE Select); coding-DNA position 5899, G replaced by A.
Protein change: p.Val1967Met; replaces valine 1967 with methionine.
Molecular consequence: missense variant.
Genome position (GRCh38, 1-based): chr6:7,583,161, G>A. VCF-style: chr6-7583161-G-A. GRCh37 (hg19) VCF-style: chr6-7583394-G-A.
Other names: c.4102G>A, p.Val1368Met (NM_001008844.3); c.4570G>A, p.Val1524Met (NM_001319034.2); short protein forms V1967M, V1368M, V1524M.
Identifiers: ClinVar variation 44933 (VCV000044933.15), dbSNP rs397516949, ClinGen allele CA006654.
Genomic context (GRCh38, chr6:7,583,161, plus strand): 5'-TATGGGTCCCATCGAGAGACCCAGACTGAGTGTGAGTGGACCGTTGACACCTCCAAGCTG[G>A]TGTTTGATGGGCTGAGGAAGAAGGTGACAGCAATGCAGCTCTATGAGTGTCAGCTGATCG-3'
Protein context (NP_004406.2, residues 1957-1977): CEWTVDTSKL[Val1967Met]FDGLRKKVTA